The following is an entry in ClinVar:

ClinVar aggregate classification (germline): Uncertain significance (1 of 4 stars; one submission).

Submission:

Labcorp Genetics (formerly Invitae), Labcorp
Classification: Uncertain significance. Last evaluated: 2020-11-06. Review status: criteria provided, single submitter. Criteria: Invitae Variant Classification Sherloc (09022015). Collection method: clinical testing. Allele origin: germline.
Comment: This sequence change replaces leucine with serine at codon 142 of the SERPING1 protein (p.Leu142Ser). The leucine residue is moderately conserved and there is a large physicochemical difference between leucine and serine. This variant is not present in population databases (ExAC no frequency). This variant has been observed in individual(s) with angioedema (PMID: 29753808). Algorithms developed to predict the effect of missense changes on protein structure and function are either unavailable or do not agree on the potential impact of this missense change (SIFT: "Deleterious"; PolyPhen-2: "Probably Damaging"; Align-GVGD: "Class C0"). In summary, the available evidence is currently insufficient to determine the role of this variant in disease. Therefore, it has been classified as a Variant of Uncertain Significance.

Literature cited by the submitters: PubMed 29753808.

NM_000062.3(SERPING1):c.425T>C (p.Leu142Ser)

Gene: SERPING1 (serpin family G member 1; plus strand). Cytogenetic location: 11q12.1.
Variant type: single nucleotide variant.
Coding change: c.425T>C on transcript NM_000062.3 (MANE Select); coding-DNA position 425, T replaced by C.
Protein change: p.Leu142Ser; replaces leucine 142 with serine.
Molecular consequence: missense variant.
Genome position (GRCh38, 1-based): chr11:57,600,252, T>C. VCF-style: chr11-57600252-T-C. GRCh37 (hg19) VCF-style: chr11-57367725-T-C.
Other names: c.425T>C, p.Leu142Ser (NM_001032295.2); short protein forms L142S.
Identifiers: ClinVar variation 1431831 (VCV001431831.8), dbSNP rs2135308683, ClinGen allele CA380695336.